The following is an entry in ClinVar:

ClinVar aggregate classification (germline): Uncertain significance (1 of 4 stars; one submission).

Conditions:
Inborn genetic diseases. Identifiers: MedGen C0950123, MeSH D030342.

Allele frequency attached by ClinVar (database versions not stated): gnomAD exomes below 0.00001; ExAC 0.00001; gnomAD 0.00002; TOPMed 0.00002.
gnomAD v4.1: 5 of 1,612,464 alleles (0.00031%); highest among the groups gnomAD compares: African/African-American, 0.0054%; no homozygotes.

Submission:

Ambry Genetics
Classification: Uncertain significance for Inborn genetic diseases. Last evaluated: 2024-03-30. Review status: criteria provided, single submitter. Criteria: Ambry Variant Classification Scheme 2023. Collection method: clinical testing. Allele origin: germline.
Comment: The p.P1759L variant (also known as c.5276C>T), located in coding exon 36 of the LRRK2 gene, results from a C to T substitution at nucleotide position 5276. The proline at codon 1759 is replaced by leucine, an amino acid with similar properties. This amino acid position is conserved. In addition, this alteration is predicted to be tolerated by in silico analysis. Since supporting evidence is limited at this time, the clinical significance of this alteration remains unclear.

NM_198578.4(LRRK2):c.5276C>T (p.Pro1759Leu)

Gene: LRRK2 (leucine rich repeat kinase 2; plus strand). Cytogenetic location: 12q12.
Variant type: single nucleotide variant.
Coding change: c.5276C>T on transcript NM_198578.4 (MANE Select); coding-DNA position 5276, C replaced by T.
Protein change: p.Pro1759Leu; replaces proline 1759 with leucine.
Molecular consequence: missense variant.
Genome position (GRCh38, 1-based): chr12:40,322,140, C>T. VCF-style: chr12-40322140-C-T. GRCh37 (hg19) VCF-style: chr12-40715942-C-T.
Other names: short protein forms P1759L.
Identifiers: ClinVar variation 1746532 (VCV001746532.3), dbSNP rs771439305, ClinGen allele CA6514406.